The following is an entry in ClinVar:

NM_000214.3(JAG1):c.374G>A (p.Ser125Asn)

Gene: JAG1 (jagged canonical Notch ligand 1; minus strand). Cytogenetic location: 20p12.2.
Variant type: single nucleotide variant.
Coding change: c.374G>A on transcript NM_000214.3 (MANE Select); coding-DNA position 374, G replaced by A.
Protein change: p.Ser125Asn; replaces serine 125 with asparagine.
Molecular consequence: missense variant.
Genome position (GRCh38, 1-based): chr20:10,672,714, C>T on the plus strand (G>A on the coding strand, the complement: JAG1 is on the minus strand). VCF-style: chr20-10672714-C-T. GRCh37 (hg19) VCF-style: chr20-10653362-C-T.
Other names: short protein forms S125N.
Identifiers: ClinVar variation 3573282 (VCV003573282.2).

Conditions:
Arteriohepatic dysplasia. Also called: Alagille Syndrome. Identifiers: Orphanet 52, MedGen C0085280, MeSH D016738, MONDO:0007318.

Submission:

Gilbert/Spinner Lab, Children's Hospital of Philadelphia
No classification provided (evidence only). Condition: Alagille syndrome. Review status: no classification provided. Collection method: research. Allele origin: not applicable. Functional consequence: functionally_abnormal.
ClinVar note: "not provided" was previously submitted as the classification for the variant. However, the classification appeared to be based only on an observation of functional data so it was converted to no classification on 2025-07-30.